The following is an entry in ClinVar:

ClinVar aggregate classification (germline): Benign/Likely benign. Review status: criteria provided, multiple submitters, no conflicts (2 of 4 stars). 4 submissions from 4 submitters: Benign (2); Likely benign (1). 1 of the submissions does not count toward it. Last evaluated 2024-03-09.

Conditions:
Treacher Collins syndrome 1 (TCS1). Also called: TCOF1-Related Treacher Collins Syndrome. Identifiers: Orphanet 861, MedGen CN315775, MONDO:0007944, OMIM 154500.
TCOF1-related disorder. Also called: TCOF1-related condition.

Allele frequency attached by ClinVar (database versions not stated): gnomAD 0.00001 and 0.00006; TOPMed 0.00002; gnomAD exomes 0.00035; ExAC 0.00036; 1000 Genomes Project 30x 0.00047; 1000 Genomes Project 0.00060.
gnomAD v4.1: 288 of 1,614,198 alleles (0.018%); highest among the groups gnomAD compares: South Asian, 0.3%; 1 homozygote.

Submissions (4):

Blueprint Genetics
Classification: Likely benign. Last evaluated: 2024-03-09. Review status: criteria provided, single submitter. Criteria: ACMG Guidelines, 2015. Collection method: clinical testing. Allele origin: germline.

Labcorp Genetics (formerly Invitae), Labcorp
Classification: Benign for Treacher Collins syndrome 1. Last evaluated: 2023-08-17. Review status: criteria provided, single submitter. Criteria: Invitae Variant Classification Sherloc (09022015). Collection method: clinical testing. Allele origin: germline.

GeneDx
Classification: Benign. Last evaluated: 2020-10-05. Review status: criteria provided, single submitter. Criteria: GeneDx Variant Classification Process June 2021. Collection method: clinical testing. Allele origin: germline. Affected: yes.

PreventionGenetics, part of Exact Sciences
Classification: Likely benign for TCOF1-related condition. Last evaluated: 2019-11-13. Review status: no assertion criteria provided. Collection method: clinical testing. Allele origin: germline. Not counted in ClinVar's aggregate classification.
Comment: This variant is classified as likely benign based on ACMG/AMP sequence variant interpretation guidelines (Richards et al. 2015 PMID: 25741868, with internal and published modifications).

NM_001371623.1(TCOF1):c.1867G>A (p.Ala623Thr)

Gene: TCOF1 (treacle ribosome biogenesis factor 1; plus strand). Cytogenetic location: 5q32.
Variant type: single nucleotide variant.
Coding change: c.1867G>A on transcript NM_001371623.1 (MANE Select); coding-DNA position 1867, G replaced by A.
Protein change: p.Ala623Thr; replaces alanine 623 with threonine.
Molecular consequence: missense variant.
Genome position (GRCh38, 1-based): chr5:150,375,883, G>A. VCF-style: chr5-150375883-G-A. GRCh37 (hg19) VCF-style: chr5-149755446-G-A.
Other names: c.1636G>A, p.Ala546Thr (NM_000356.4, NM_001135245.2); c.1867G>A, p.Ala623Thr (NM_001008657.3, NM_001135243.2, NM_001135244.2 and 1 more transcripts); short protein forms A546T, A623T.
Identifiers: ClinVar variation 1252349 (VCV001252349.8), dbSNP rs201126288, ClinGen allele CA3511024.